The following is an entry in ClinVar:

ClinVar aggregate classification (germline): Uncertain significance. Review status: criteria provided, multiple submitters, no conflicts (2 of 4 stars). 2 submissions from 2 submitters: Uncertain significance (2). Last evaluated 2025-11-04.

Conditions:
Hereditary cancer-predisposing syndrome. Also called: Hereditary Cancer Syndrome; Tumor predisposition; Hereditary neoplastic syndrome; Neoplastic Syndromes, Hereditary. Identifiers: Orphanet 140162, MedGen C0027672, MeSH D009386, MONDO:0015356.

Allele frequency attached by ClinVar (database versions not stated): gnomAD exomes below 0.00001; ExAC 0.00001; gnomAD 0.00001.

Submissions (2):

Ambry Genetics
Classification: Uncertain significance for Hereditary cancer-predisposing syndrome. Last evaluated: 2025-11-04. Review status: criteria provided, single submitter. Criteria: Ambry Variant Classification Scheme 2023. Collection method: clinical testing. Allele origin: germline.
Comment: The p.N443I variant (also known as c.1328A>T), located in coding exon 9 of the CTNNA1 gene, results from an A to T substitution at nucleotide position 1328. The asparagine at codon 443 is replaced by isoleucine, an amino acid with dissimilar properties. This amino acid position is highly conserved in available vertebrate species. In addition, the in silico prediction for this alteration is inconclusive. Based on the available evidence, the clinical significance of this variant remains unclear.

Labcorp Genetics (formerly Invitae), Labcorp
Classification: Uncertain significance. Last evaluated: 2025-09-24. Review status: criteria provided, single submitter. Criteria: Invitae Variant Classification Sherloc (09022015). Collection method: clinical testing. Allele origin: germline.
Comment: This sequence change replaces asparagine, which is neutral and polar, with isoleucine, which is neutral and non-polar, at codon 443 of the CTNNA1 protein (p.Asn443Ile). This variant is present in population databases (rs769696803, gnomAD 0.007%). This variant has not been reported in the literature in individuals affected with CTNNA1-related conditions. ClinVar contains an entry for this variant (Variation ID: 1055004). Invitae Evidence Modeling of protein sequence and biophysical properties (such as structural, functional, and spatial information, amino acid conservation, physicochemical variation, residue mobility, and thermodynamic stability) indicates that this missense variant is expected to disrupt CTNNA1 protein function with a positive predictive value of 80%. In summary, the available evidence is currently insufficient to determine the role of this variant in disease. Therefore, it has been classified as a Variant of Uncertain Significance.

NM_001903.5(CTNNA1):c.1328A>T (p.Asn443Ile)

Gene: CTNNA1 (catenin alpha 1; plus strand). Cytogenetic location: 5q31.2.
Variant type: single nucleotide variant.
Coding change: c.1328A>T on transcript NM_001903.5 (MANE Select); coding-DNA position 1328, A replaced by T.
Protein change: p.Asn443Ile; replaces asparagine 443 with isoleucine.
Molecular consequence: missense variant. On other transcripts: 5 prime UTR variant (6), intron variant (3).
Genome position (GRCh38, 1-based): chr5:138,904,380, A>T. VCF-style: chr5-138904380-A-T. GRCh37 (hg19) VCF-style: chr5-138240069-A-T.
Other names: c.1328A>T (NM_001903.2); c.1328A>T, p.Asn443Ile (NM_001290307.3, NM_001323982.2, NM_001323983.1 and 2 more transcripts); c.1019A>T, p.Asn340Ile (NM_001290309.3); c.959A>T, p.Asn320Ile (NM_001290310.3); c.218A>T, p.Asn73Ile (NM_001290312.1, NM_001323987.1, NM_001323988.1 and 17 more transcripts); c.-180A>T (NM_001324006.1, NM_001324007.1, NM_001324008.1 and 1 more transcripts); c.-26A>T (NM_001324012.1, NM_001324013.1); c.1297-13362A>T (NM_001323986.2); and 2 more; short protein forms N320I, N340I, N443I, N73I.
Identifiers: ClinVar variation 1055004 (VCV001055004.10), dbSNP rs769696803, ClinGen allele CA3431920.